The following is an entry in ClinVar:

ClinVar aggregate classification (germline): Benign/Likely benign. Review status: criteria provided, multiple submitters, no conflicts (2 of 4 stars). 7 submissions from 7 submitters: Benign (4); Likely benign (1). 2 of the submissions do not count toward it. Last evaluated 2026-01-28.

Conditions:
Pontocerebellar hypoplasia type 6 (PCH6). Identifiers: Orphanet 166073, MedGen C1969084, MONDO:0012683, OMIM 611523.

Allele frequency attached by ClinVar (database versions not stated): gnomAD exomes 0.00132 and 0.00323; ExAC 0.00369; gnomAD 0.01024 and 0.01095; TOPMed 0.01182; ESP Exome Variant Server 0.01223; 1000 Genomes Project 0.01258; 1000 Genomes Project 30x 0.01343.
gnomAD v4.1: 3,636 of 1,612,226 alleles (0.23%); highest among the groups gnomAD compares: African/African-American, 3.3%; 47 homozygotes.

Submissions (7):

Labcorp Genetics (formerly Invitae), Labcorp
Classification: Benign. Last evaluated: 2026-01-28. Review status: criteria provided, single submitter. Criteria: Invitae Variant Classification Sherloc (09022015). Collection method: clinical testing. Allele origin: germline.

Blueprint Genetics
Classification: Likely benign. Last evaluated: 2024-11-13. Review status: criteria provided, single submitter. Criteria: ACMG Guidelines, 2015. Collection method: clinical testing. Allele origin: germline.

ARUP Laboratories, Molecular Genetics and Genomics, ARUP Laboratories
Classification: Benign for Pontocerebellar hypoplasia type 6. Last evaluated: 2019-05-03. Review status: criteria provided, single submitter. Criteria: ARUP Molecular Germline Variant Investigation Process. Collection method: clinical testing. Allele origin: germline.

Illumina Laboratory Services, Illumina
Classification: Benign for Pontocerebellar hypoplasia type 6. Last evaluated: 2018-01-13. Review status: criteria provided, single submitter. Criteria: ICSL Variant Classification Criteria 13 December 2019. Collection method: clinical testing. Allele origin: germline.
Comment: This variant was observed in the ICSL laboratory as part of a predisposition screen in an ostensibly healthy population. It had not been previously curated by ICSL or reported in the Human Gene Mutation Database (HGMD: prior to June 1st, 2018), and was therefore a candidate for classification through an automated scoring system. Utilizing variant allele frequency, disease prevalence and penetrance estimates, and inheritance mode, an automated score was calculated to assess if this variant is too frequent to cause the disease. Based on the score and internal cut-off values, a variant classified as benign is not then subjected to further curation. The score for this variant resulted in a classification of benign for this disease.

GeneDx
Classification: Benign. Last evaluated: 2014-05-27. Review status: criteria provided, single submitter. Criteria: GeneDx Variant Classification (06012015). Collection method: clinical testing. Allele origin: germline. Affected: yes.
Comment: This variant is considered likely benign or benign based on one or more of the following criteria: it is a conservative change, it occurs at a poorly conserved position in the protein, it is predicted to be benign by multiple in silico algorithms, and/or has population frequency not consistent with disease.

Mayo Clinic Laboratories, Mayo Clinic
Classification: Benign. Last evaluated: 2016-02-29. Review status: no assertion criteria provided. Collection method: clinical testing. Allele origin: unknown. Not counted in ClinVar's aggregate classification.

Genetic Services Laboratory, University of Chicago
Classification: Likely benign for AllHighlyPenetrant. Review status: no assertion criteria provided. Collection method: clinical testing. Allele origin: germline. Inheritance: Autosomal recessive inheritance. Not counted in ClinVar's aggregate classification.
Comment: Likely benign based on allele frequency in 1000 Genomes Project or ESP global frequency and its presence in a patient with a rare or unrelated disease phenotype. NOT Sanger confirmed.

NM_020320.5(RARS2):c.606C>T (p.Leu202=)

Gene: RARS2 (arginyl-tRNA synthetase 2, mitochondrial; minus strand). Cytogenetic location: 6q15.
Variant type: single nucleotide variant.
Coding change: c.606C>T on transcript NM_020320.5 (MANE Select); coding-DNA position 606, C replaced by T.
Protein change: p.Leu202=; no amino-acid change (leucine 202 retained).
Molecular consequence: synonymous variant. On other transcripts: non-coding transcript variant (18).
Genome position (GRCh38, 1-based): chr6:87,541,924, G>A on the plus strand (C>T on the coding strand, the complement: RARS2 is on the minus strand). VCF-style: chr6-87541924-G-A. GRCh37 (hg19) VCF-style: chr6-88251642-G-A.
Other names: p.L202L:CTC>CTT; c.81C>T, p.Leu27= (NM_001318785.2, NM_001350506.2, NM_001350507.2 and 4 more transcripts); c.606C>T, p.Leu202= (NM_001350505.2).
Identifiers: ClinVar variation 130096 (VCV000130096.30), dbSNP rs75794097, ClinGen allele CA289009.